The following is an entry in ClinVar:

NM_004456.5(EZH2):c.1613C>T (p.Ser538Leu)

Gene: EZH2 (enhancer of zeste 2 polycomb repressive complex 2 subunit; minus strand). Cytogenetic location: 7q36.1.
Variant type: single nucleotide variant.
Coding change: c.1613C>T on transcript NM_004456.5 (MANE Select); coding-DNA position 1613, C replaced by T.
Protein change: p.Ser538Leu; replaces serine 538 with leucine.
Molecular consequence: missense variant. On other transcripts: intron variant (1).
Genome position (GRCh38, 1-based): chr7:148,814,973, G>A on the plus strand (C>T on the coding strand, the complement: EZH2 is on the minus strand). VCF-style: chr7-148814973-G-A. GRCh37 (hg19) VCF-style: chr7-148512065-G-A.
Other names: c.1598C>T, p.Ser533Leu (NM_001203247.2); c.1571C>T, p.Ser524Leu (NM_001203248.2); c.1481C>T, p.Ser494Leu (NM_152998.3); c.1504+533C>T (NM_001203249.2); short protein forms S494L, S524L, S533L, S538L.
Identifiers: ClinVar variation 3773988 (VCV003773988.1).

ClinVar aggregate classification (germline): Uncertain significance (1 of 4 stars; one submission).

gnomAD v4.1: 6 of 1,613,858 alleles (0.00037%); highest among the groups gnomAD compares: South Asian, 0.0011%; no homozygotes.

Submission:

GeneDx
Classification: Uncertain significance. Last evaluated: 2024-09-20. Review status: criteria provided, single submitter. Criteria: GeneDx Variant Classification Process June 2021. Collection method: clinical testing. Allele origin: germline. Affected: yes.
Comment: Not observed at significant frequency in large population cohorts (gnomAD); In silico analysis supports that this missense variant has a deleterious effect on protein structure/function; Has not been previously published as pathogenic or benign to our knowledge